The following is an entry in ClinVar:

NM_004444.5(EPHB4):c.2467del (p.Asp823fs)

Genes: EPHB4 (EPH receptor B4; minus strand), LOC126860124 (CDK7 strongly-dependent group 2 enhancer GRCh37_chr7:100403701-100404900; plus strand). Cytogenetic location: 7q22.1.
Variant type: Deletion.
Coding change: c.2467del on transcript NM_004444.5 (MANE Select); coding-DNA position 2467, one base deleted (G; older notation c.2467delG).
Protein change: p.Asp823fs; shifts the reading frame from aspartic acid 823.
Molecular consequence: frameshift variant.
Genome position (GRCh38, 1-based): chr7:100,806,437, C deleted on the plus strand (G on the coding strand, the reverse complement: EPHB4 is on the minus strand); the first of 3 consecutive C bases (chr7:100,806,437-100,806,439); deleting any one gives the same sequence. VCF-style (leftmost placement, unchanged base first): chr7-100806436-TC-T. GRCh37 (hg19) VCF-style: chr7-100404058-TC-T.
Other names: c.2467delG (NM_004444.5); short protein forms D823fs.
Identifiers: ClinVar variation 3068696 (VCV003068696.1), dbSNP rs2485000498, ClinGen allele CA2580617565.

ClinVar aggregate classification (germline): Likely pathogenic (1 of 4 stars; one submission).

Conditions:
EPHB4-associated vascular malformation spectrum. Identifiers: MedGen CN315656, MONDO:0700080.

Submission:

Molecular Genetics, Royal Melbourne Hospital
Classification: Likely pathogenic for EPHB4-associated vascular malformation spectrum. Last evaluated: 2023-09-04. Review status: criteria provided, single submitter. Criteria: ACMG Guidelines, 2015. Collection method: clinical testing. Allele origin: germline. Inheritance: Autosomal dominant inheritance. Affected: yes.
Comment: This sequence change in EPHB4 is a frameshift variant predicted to cause a premature stop codon, p.(Asp823Thrfs*2), in biologically relevant exon 14/17 leading to nonsense-mediated decay in a gene in which loss-of-function is an established disease mechanism (PMID: 29444212, 28687708, 30760892). This variant is absent from the population database gnomAD v2.1 and v3.1. To our knowledge, this variant is novel and has not been previously reported in the relevant scientific literature or databases. Based on the classification scheme RMH Modified ACMG/AMP Guidelines v1.6.1, this variant is classified as LIKELY PATHOGENIC. Following criteria are met: PVS1, PM2_Supporting.

Literature cited by the submitters: PubMed 28687708; PubMed 29444212; PubMed 30760892.